The following is an entry in ClinVar:

ClinVar aggregate classification (germline): Uncertain significance (1 of 4 stars; one submission).

gnomAD v4.1: 6 of 1,613,970 alleles (0.00037%); highest among the groups gnomAD compares: African/African-American, 0.0067%; no homozygotes.

Submission:

Labcorp Genetics (formerly Invitae), Labcorp
Classification: Uncertain significance. Last evaluated: 2025-09-16. Review status: criteria provided, single submitter. Criteria: Invitae Variant Classification Sherloc (09022015). Collection method: clinical testing. Allele origin: germline.
Comment: This sequence change replaces threonine, which is neutral and polar, with asparagine, which is neutral and polar, at codon 3216 of the ANK3 protein (p.Thr3216Asn). This variant is present in population databases (rs763876187, gnomAD 0.01%). This variant has not been reported in the literature in individuals affected with ANK3-related conditions. Invitae Evidence Modeling of protein sequence and biophysical properties (such as structural, functional, and spatial information, amino acid conservation, physicochemical variation, residue mobility, and thermodynamic stability) indicates that this missense variant is not expected to disrupt ANK3 protein function with a negative predictive value of 80%. In summary, the available evidence is currently insufficient to determine the role of this variant in disease. Therefore, it has been classified as a Variant of Uncertain Significance.

NM_020987.5(ANK3):c.9647C>A (p.Thr3216Asn)

Gene: ANK3 (ankyrin 3; minus strand). Cytogenetic location: 10q21.2.
Variant type: single nucleotide variant.
Coding change: c.9647C>A on transcript NM_020987.5 (MANE Select); coding-DNA position 9647, C replaced by A.
Protein change: p.Thr3216Asn; replaces threonine 3216 with asparagine.
Molecular consequence: missense variant. On other transcripts: intron variant (4).
Genome position (GRCh38, 1-based): chr10:60,071,234, G>T on the plus strand (C>A on the coding strand, the complement: ANK3 is on the minus strand). VCF-style: chr10-60071234-G-T. GRCh37 (hg19) VCF-style: chr10-61830992-G-T.
Other names: c.4388-3225C>A (NM_001204403.2); c.4409-3225C>A (NM_001204404.2); c.4406-3225C>A (NM_001320874.2); c.1808-3225C>A (NM_001149.4); short protein forms T3216N.
Identifiers: ClinVar variation 4690523 (VCV004690523.1).
Genomic context (GRCh38, chr10:60,071,234, plus strand): 5'-ACGTCATTAGGCATTTCACGCTCAACTGCTGTTTCCTCCACTGTAGTCTGCTTAAGGGAG[G>T]TTGACTTGGCCTGTTCCTCCTCCTCTGACTCCTCAGAAACCTCGGGAATTGGGCTGGGTT-3'
Protein context (NP_066267.2, residues 3206-3226): ESEEEEQAKS[Thr3216Asn]SLKQTTVEET